The following is an entry in ClinVar:

ClinVar aggregate classification (germline): Pathogenic (1 of 4 stars; one submission).

Conditions:
Fabry disease. Also called: ALPHA-GALACTOSIDASE A DEFICIENCY; ANDERSON-FABRY DISEASE; CERAMIDE TRIHEXOSIDASE DEFICIENCY; GLA DEFICIENCY; HEREDITARY DYSTOPIC LIPIDOSIS; Angiokeratoma corporis diffusum. Identifiers: Orphanet 324, MedGen C0002986, MONDO:0010526, OMIM 301500, HP:0001071. Disease mechanism: Fabry disease is due to inactivating mutations in the X-linked GLA gene resulting in deficiency of the enzyme Alpha Galactosidase-A., loss of function.

Submission:

Genomenon, Inc
Classification: Pathogenic for Fabry disease. Last evaluated: 2026-09-08. Review status: criteria provided, single submitter. Criteria: Genomenon Sequence Variant Interpretation Standards - Updated. Collection method: curation. Allele origin: germline. Affected: yes.
Comment: GLA p.Arg100IlefsTer20 (c.297_300del) is a frameshift variant that is predicted to introduce a premature termination codon and result in a truncated or absent protein product. This variant has been observed in at least one proband with clinical features consistent with Fabry disease (PMID:26252393). It is absent or not present at a significant frequency in gnomAD. In conclusion, we classify GLA p.Arg100IlefsTer20 (c.297_300del) as a pathogenic variant.

Literature cited by the submitters: PubMed 26252393.

NM_000169.3(GLA):c.297_300del (p.Arg100fs)

Genes: GLA (galactosidase alpha; minus strand), RPL36A-HNRNPH2 (RPL36A-HNRNPH2 readthrough; plus strand). Cytogenetic location: Xq22.1.
Variant type: Deletion.
Coding change: c.297_300del on transcript NM_000169.3 (MANE Select); coding-DNA positions 297 to 300, 4 bases deleted (AAGA; older notation c.297_300delAAGA).
Protein change: p.Arg100fs; shifts the reading frame from arginine 100.
Molecular consequence: frameshift variant. On other transcripts: non-coding transcript variant (3), intron variant (2).
Genome position (GRCh38, 1-based): chrX:101,403,880-101,403,883, TCTT deleted on the plus strand (AAGA on the coding strand, the reverse complement: GLA is on the minus strand); deleting any 4 consecutive bases within chrX:101,403,880-101,403,884 gives the same sequence; the c. name uses the placement nearest the transcript's 3' end. VCF-style (leftmost placement, unchanged base first): chrX-101403879-CTCTT-C. GRCh37 (hg19) VCF-style: chrX-100658867-CTCTT-C.
Other names: c.420_423del, p.Arg141fs (NM_001406747.1, NM_001406749.1); c.297_300del, p.Arg100fs (NM_001406748.1); c.301-8055_301-8052del (NM_001199973.2); c.178-8055_178-8052del (NM_001199974.2); short protein forms R100fs, R141fs.
Identifiers: ClinVar variation 4086940 (VCV004086940.2).